The following is an entry in ClinVar:

ClinVar aggregate classification (germline): Uncertain significance (1 of 4 stars; one submission).

gnomAD v4.1: 7 of 1,614,224 alleles (0.00043%); highest among the groups gnomAD compares: African/African-American, 0.0013%; no homozygotes.

Submission:

Labcorp Genetics (formerly Invitae), Labcorp
Classification: Uncertain significance. Last evaluated: 2025-11-12. Review status: criteria provided, single submitter. Criteria: Invitae Variant Classification Sherloc (09022015). Collection method: clinical testing. Allele origin: germline.
Comment: This sequence change replaces serine, which is neutral and polar, with tyrosine, which is neutral and polar, at codon 3031 of the SRCAP protein (p.Ser3031Tyr). This variant is present in population databases (rs772873154, gnomAD 0.01%). This variant has not been reported in the literature in individuals affected with SRCAP-related conditions. Invitae Evidence Modeling of protein sequence and biophysical properties (such as structural, functional, and spatial information, amino acid conservation, physicochemical variation, residue mobility, and thermodynamic stability) indicates that this missense variant is not expected to disrupt SRCAP protein function with a negative predictive value of 80%. In summary, the available evidence is currently insufficient to determine the role of this variant in disease. Therefore, it has been classified as a Variant of Uncertain Significance.

NM_006662.3(SRCAP):c.9092C>A (p.Ser3031Tyr)

Gene: SRCAP (Snf2 related CREBBP activator protein; plus strand). Cytogenetic location: 16p11.2.
Variant type: single nucleotide variant.
Coding change: c.9092C>A on transcript NM_006662.3 (MANE Select); coding-DNA position 9092, C replaced by A.
Protein change: p.Ser3031Tyr; replaces serine 3031 with tyrosine.
Molecular consequence: missense variant.
Genome position (GRCh38, 1-based): chr16:30,739,132, C>A. VCF-style: chr16-30739132-C-A. GRCh37 (hg19) VCF-style: chr16-30750453-C-A.
Other names: short protein forms S3031Y.
Identifiers: ClinVar variation 4797905 (VCV004797905.1).